The following is an entry in ClinVar:

NM_003628.6(PKP4):c.3245G>T (p.Gly1082Val)

Genes: PKP4 (plakophilin 4; plus strand), PKP4-AS1 (PKP4 antisense RNA 1; minus strand). Cytogenetic location: 2q24.1.
Variant type: single nucleotide variant.
Coding change: c.3245G>T on transcript NM_003628.6 (MANE Select); coding-DNA position 3245, G replaced by T.
Protein change: p.Gly1082Val; replaces glycine 1082 with valine.
Molecular consequence: missense variant. On other transcripts: intron variant (3).
Genome position (GRCh38, 1-based): chr2:158,676,856, G>T. VCF-style: chr2-158676856-G-T. GRCh37 (hg19) VCF-style: chr2-159533368-G-T.
Other names: c.3242G>T, p.Gly1081Val (NM_001304969.3, NM_001377219.1, NM_001377220.1 and 1 more transcripts); c.2216G>T, p.Gly739Val (NM_001304970.3); c.3245G>T, p.Gly1082Val (NM_001377218.1); c.3239G>T, p.Gly1080Val (NM_001377222.1, NM_001377223.1); c.3236G>T, p.Gly1079Val (NM_001377224.1); c.3128-1725G>T (NM_001005476.4, NM_001377225.1); c.3125-1725G>T (NM_001377226.1); short protein forms G1079V, G1080V, G1081V, G1082V, G739V.
Identifiers: ClinVar variation 3223523 (VCV003223523.1), dbSNP rs1406591183, ClinGen allele CA348907680.

ClinVar aggregate classification (germline): Uncertain significance (1 of 4 stars; one submission).

gnomAD v4.1: 3 of 1,613,898 alleles (0.00019%); highest among the groups gnomAD compares: Non-Finnish European, 0.000085%; no homozygotes.

Submission:

Ambry Genetics
Classification: Uncertain significance. Last evaluated: 2024-03-01. Review status: criteria provided, single submitter. Criteria: Ambry Variant Classification Scheme 2023. Collection method: clinical testing. Allele origin: germline.
Comment: The p.G1082V variant (also known as c.3245G>T), located in coding exon 19 of the PKP4 gene, results from a G to T substitution at nucleotide position 3245. The glycine at codon 1082 is replaced by valine, an amino acid with dissimilar properties. This amino acid position is conserved. In addition, this alteration is predicted to be tolerated by in silico analysis. Based on the available evidence, the clinical significance of this alteration remains unclear.